The following is an entry in ClinVar:

ClinVar aggregate classification (germline): Conflicting classifications of pathogenicity. Review status: criteria provided, conflicting classifications (1 of 4 stars). 2 submissions from 2 submitters: Uncertain significance (1); Likely benign (1). Last evaluated 2025-05-28.

Conditions:
Tuberous sclerosis 2 (TSC2). Identifiers: Orphanet 805, MedGen C1860707, MONDO:0013199, OMIM 613254.

Submissions (2):

Myriad Genetics, Inc.
Classification: Likely benign for Tuberous sclerosis 2. Last evaluated: 2025-05-28. Review status: criteria provided, single submitter. Criteria: Myriad Autosomal Dominant, Autosomal Recessive and X-Linked Classification Criteria (2023). Collection method: clinical testing. Allele origin: unknown.
Comment: This variant is considered likely benign. This variant is intronic and is not expected to impact mRNA splicing.

Labcorp Genetics (formerly Invitae), Labcorp
Classification: Uncertain significance for Tuberous sclerosis 2. Last evaluated: 2022-09-08. Review status: criteria provided, single submitter. Criteria: Invitae Variant Classification Sherloc (09022015). Collection method: clinical testing. Allele origin: germline.
Comment: This sequence change falls in intron 28 of the TSC2 gene. It does not directly change the encoded amino acid sequence of the TSC2 protein. This variant is not present in population databases (gnomAD no frequency). This variant has not been reported in the literature in individuals affected with TSC2-related conditions. Algorithms developed to predict the effect of sequence changes on RNA splicing suggest that this variant may create or strengthen a splice site. In summary, the available evidence is currently insufficient to determine the role of this variant in disease. Therefore, it has been classified as a Variant of Uncertain Significance.

NM_000548.5(TSC2):c.3285-13A>T

Gene: TSC2 (TSC complex subunit 2; plus strand). Cytogenetic location: 16p13.3.
Variant type: single nucleotide variant.
Coding change: c.3285-13A>T on transcript NM_000548.5 (MANE Select); 13 bases into the intron before coding-DNA position 3285, A replaced by T.
Molecular consequence: intron variant.
Genome position (GRCh38, 1-based): chr16:2,079,544, A>T. VCF-style: chr16-2079544-A-T. GRCh37 (hg19) VCF-style: chr16-2129545-A-T.
Other names: c.3285-13A>T (NM_001114382.3); c.3156-13A>T (NM_021055.3, NM_001370405.1, NM_001363528.2); c.3153-13A>T (NM_001370404.1, NM_001077183.3); c.3045-13A>T (NM_001318827.2); c.2553-13A>T (NM_001318831.2); c.3009-13A>T (NM_001318829.2); c.3186-13A>T (NM_001318832.2).
Identifiers: ClinVar variation 2195207 (VCV002195207.5), dbSNP rs2544063648, ClinGen allele CA2580090957.